The following is an entry in ClinVar:

NC_000016.9:g.(?_77317853)_(78466669_?)dup

Genes: ADAMTS18 (ADAM metallopeptidase with thrombospondin type 1 motif 18; minus strand), CLEC3A (C-type lectin domain family 3 member A; plus strand), NUDT7 (nudix hydrolase 7; plus strand), VAT1L (vesicle amine transport 1 like; plus strand), WWOX (WW domain containing oxidoreductase; plus strand). Cytogenetic location: 16q23.1.
Variant type: Duplication.
Identifiers: ClinVar variation 3243679 (VCV003243679.1).

ClinVar aggregate classification (germline): Uncertain significance (1 of 4 stars; one submission).

Submission:

Labcorp Genetics (formerly Invitae), Labcorp
Classification: Uncertain significance. Last evaluated: 2022-11-22. Review status: criteria provided, single submitter. Criteria: Invitae Variant Classification Sherloc (09022015). Collection method: clinical testing. Allele origin: unknown.
Comment: In summary, the available evidence is currently insufficient to determine the role of this variant in disease. Therefore, it has been classified as a Variant of Uncertain Significance. This variant has not been reported in the literature in individuals affected with ADAMTS18-related conditions. A copy number gain of the genomic region encompassing the full coding sequence of the ADAMTS18 gene has been identified. The boundaries of this event are unknown as they extend beyond the assayed region for this gene and therefore may encompass additional genes. As the precise location of this event is unknown, it may be in tandem or it may be located elsewhere in the genome.